The following is an entry in ClinVar:

NM_003072.5(SMARCA4):c.4813G>A (p.Ala1605Thr)

Gene: SMARCA4 (SWI/SNF related BAF chromatin remodeling complex subunit ATPase 4; plus strand). Cytogenetic location: 19p13.2.
Variant type: single nucleotide variant.
Coding change: c.4813G>A on transcript NM_003072.5 (MANE Select); coding-DNA position 4813, G replaced by A.
Protein change: p.Ala1605Thr; replaces alanine 1605 with threonine.
Molecular consequence: missense variant. On other transcripts: non-coding transcript variant (1).
Genome position (GRCh38, 1-based): chr19:11,060,089, G>A. VCF-style: chr19-11060089-G-A. GRCh37 (hg19) VCF-style: chr19-11170765-G-A.
Other names: c.4813G>A, p.Ala1605Thr (NM_001128844.3); c.4723G>A, p.Ala1575Thr (NM_001128845.2); c.4720G>A, p.Ala1574Thr (NM_001128846.2); c.4714G>A, p.Ala1572Thr (NM_001128847.4, NM_001374457.1); c.4711G>A, p.Ala1571Thr (NM_001128848.2); c.4909G>A, p.Ala1637Thr (NM_001128849.3); short protein forms A1575T, A1572T, A1571T, A1574T, A1605T, A1637T.
Identifiers: ClinVar variation 859050 (VCV000859050.14), dbSNP rs141224876, ClinGen allele CA305298960.

ClinVar aggregate classification (germline): Uncertain significance. Review status: criteria provided, multiple submitters, no conflicts (2 of 4 stars). 2 submissions from 2 submitters: Uncertain significance (2). Last evaluated 2025-10-23.

Conditions:
Rhabdoid tumor predisposition syndrome 2 (RTPS2). Identifiers: Orphanet 231108, Orphanet 69077, MedGen C2750074, MONDO:0013224, OMIM 613325.
Hereditary cancer-predisposing syndrome. Also called: Tumor predisposition; Hereditary neoplastic syndrome; Neoplastic Syndromes, Hereditary; Hereditary Cancer Syndrome. Identifiers: Orphanet 140162, MedGen C0027672, MeSH D009386, MONDO:0015356.

Allele frequency attached by ClinVar (database versions not stated): gnomAD exomes 0.00001; TOPMed 0.00003.
gnomAD v4.1: 3 of 1,553,268 alleles (0.00019%); highest among the groups gnomAD compares: Non-Finnish European, 0.00026%; no homozygotes.

Submissions (2):

Labcorp Genetics (formerly Invitae), Labcorp
Classification: Uncertain significance for Rhabdoid tumor predisposition syndrome 2. Last evaluated: 2025-10-23. Review status: criteria provided, single submitter. Criteria: Invitae Variant Classification Sherloc (09022015). Collection method: clinical testing. Allele origin: germline.
Comment: This sequence change replaces alanine, which is neutral and non-polar, with threonine, which is neutral and polar, at codon 1637 of the SMARCA4 protein (p.Ala1637Thr). This variant is present in population databases (no rsID available, gnomAD 0.002%). This variant has not been reported in the literature in individuals affected with SMARCA4-related conditions. ClinVar contains an entry for this variant (Variation ID: 859050). An algorithm developed to predict the effect of missense changes on protein structure and function (PolyPhen-2) suggests that this variant is likely to be tolerated. In summary, the available evidence is currently insufficient to determine the role of this variant in disease. Therefore, it has been classified as a Variant of Uncertain Significance.

Ambry Genetics
Classification: Uncertain significance for Hereditary cancer-predisposing syndrome. Last evaluated: 2025-06-13. Review status: criteria provided, single submitter. Criteria: Ambry Variant Classification Scheme 2023. Collection method: clinical testing. Allele origin: germline.
Comment: The p.A1637T variant (also known as c.4909G>A), located in coding exon 34 of the SMARCA4 gene, results from a G to A substitution at nucleotide position 4909. The alanine at codon 1637 is replaced by threonine, an amino acid with similar properties. This amino acid position is not well conserved in available vertebrate species. In addition, this alteration is predicted to be tolerated by in silico analysis. Based on the available evidence, the clinical significance of this variant remains unclear.